The following is an entry in ClinVar:

ClinVar aggregate classification (germline): Uncertain significance (1 of 4 stars; one submission).

Conditions:
Neonatal-onset encephalopathy with rigidity and seizures. Also called: Lethal neonatal spasticity-epileptic encephalopathy syndrome. Identifiers: Orphanet 435845, MedGen C3281029, MONDO:0013784, OMIM 614498.

Allele frequency attached by ClinVar (database versions not stated): gnomAD exomes below 0.00001 and 0.00002; gnomAD 0.00001; TOPMed 0.00001; ExAC 0.00003.
gnomAD v4.1: 12 of 1,544,900 alleles (0.00078%); highest among the groups gnomAD compares: South Asian, 0.0025%; no homozygotes.

Submission:

Labcorp Genetics (formerly Invitae), Labcorp
Classification: Uncertain significance for Neonatal-onset encephalopathy with rigidity and seizures. Last evaluated: 2022-02-04. Review status: criteria provided, single submitter. Criteria: Invitae Variant Classification Sherloc (09022015). Collection method: clinical testing. Allele origin: germline.
Comment: This sequence change falls in intron 10 of the BRAT1 gene. It does not directly change the encoded amino acid sequence of the BRAT1 protein. It affects a nucleotide within the consensus splice site. This variant is present in population databases (rs778208704, gnomAD 0.01%). This variant has not been reported in the literature in individuals affected with BRAT1-related conditions. ClinVar contains an entry for this variant (Variation ID: 540170). Variants that disrupt the consensus splice site are a relatively common cause of aberrant splicing (PMID: 17576681, 9536098). Algorithms developed to predict the effect of sequence changes on RNA splicing suggest that this variant may disrupt the consensus splice site. In summary, the available evidence is currently insufficient to determine the role of this variant in disease. Therefore, it has been classified as a Variant of Uncertain Significance.

Literature cited by the submitters: PubMed 17576681; PubMed 9536098.

NM_152743.4(BRAT1):c.1395+5G>A

Gene: BRAT1 (BRCA1 associated ATM activator 1; minus strand). Cytogenetic location: 7p22.3.
Variant type: single nucleotide variant.
Coding change: c.1395+5G>A on transcript NM_152743.4 (MANE Select); 5 bases into the intron after coding-DNA position 1395, G replaced by A.
Molecular consequence: intron variant.
Genome position (GRCh38, 1-based): chr7:2,540,974, C>T on the plus strand (G>A on the coding strand, the complement: BRAT1 is on the minus strand). VCF-style: chr7-2540974-C-T. GRCh37 (hg19) VCF-style: chr7-2580608-C-T.
Other names: c.870+5G>A (NM_001350627.2); c.1395+5G>A (NM_001350626.2).
Identifiers: ClinVar variation 540170 (VCV000540170.6), dbSNP rs778208704, ClinGen allele CA4127773.
Genomic context (GRCh38, chr7:2,540,974, plus strand): 5'-GTCAGGGGTGGGTCCCACTGCCTCTGCCTCCCTCCTCTCCTCGCTCTCTATCCCCACCAC[C>T]GTACCGTGGGGCTGGAGCCGGGGCTCTCGAGGCACTCCAGGAGGACAGCAAGCGCCTGCG-3'